The following is an entry in ClinVar:

NM_002878.4(RAD51D):c.878C>A (p.Ala293Glu)

Genes: RAD51D (RAD51 paralog D; minus strand), RAD51L3-RFFL (RAD51L3-RFFL readthrough; minus strand). Cytogenetic location: 17q12.
Variant type: single nucleotide variant.
Coding change: c.878C>A on transcript NM_002878.4 (MANE Select); coding-DNA position 878, C replaced by A.
Protein change: p.Ala293Glu; replaces alanine 293 with glutamic acid.
Molecular consequence: missense variant. On other transcripts: non-coding transcript variant (3).
Genome position (GRCh38, 1-based): chr17:35,101,226, G>T on the plus strand (C>A on the coding strand, the complement: RAD51D is on the minus strand). VCF-style: chr17-35101226-G-T. GRCh37 (hg19) VCF-style: chr17-33428245-G-T.
Other names: c.938C>A, p.Ala313Glu (NM_001142571.2); c.542C>A, p.Ala181Glu (NM_133629.3); short protein forms A293E, A313E, A181E.
Identifiers: ClinVar variation 472628 (VCV000472628.5), dbSNP rs769732230, ClinGen allele CA399086385.

ClinVar aggregate classification (germline): Uncertain significance (1 of 4 stars; one submission).

Conditions:
Breast-ovarian cancer, familial, susceptibility to, 4. Identifiers: Orphanet 145, MedGen C3280345, MONDO:0013669, OMIM 614291.

Submission:

Labcorp Genetics (formerly Invitae), Labcorp
Classification: Uncertain significance for Breast-ovarian cancer, familial, susceptibility to, 4. Last evaluated: 2018-04-14. Review status: criteria provided, single submitter. Criteria: Invitae Variant Classification Sherloc (09022015). Collection method: clinical testing. Allele origin: germline.
Comment: In summary, the available evidence is currently insufficient to determine the role of this variant in disease. Therefore, it has been classified as a Variant of Uncertain Significance. Algorithms developed to predict the effect of missense changes on protein structure and function do not agree on the potential impact of this missense change (SIFT: "Tolerated"; PolyPhen-2: "Probably Damaging"; Align-GVGD: "Class C0"). This variant has not been reported in the literature in individuals with RAD51D-related disease. ClinVar contains an entry for this variant (Variation ID: 472628). This variant is not present in population databases (ExAC no frequency). This sequence change replaces alanine with glutamic acid at codon 293 of the RAD51D protein (p.Ala293Glu). The alanine residue is moderately conserved and there is a moderate physicochemical difference between alanine and glutamic acid.